The following is an entry in ClinVar:

ClinVar aggregate classification (germline): Uncertain significance. Review status: criteria provided, multiple submitters, no conflicts (2 of 4 stars). 2 submissions from 2 submitters: Uncertain significance (2). Last evaluated 2025-08-24.

gnomAD v4.1: 61 of 1,613,838 alleles (0.0038%); highest among the groups gnomAD compares: Non-Finnish European, 0.0042%; no homozygotes.

Submissions (2):

Mayo Clinic Laboratories, Mayo Clinic
Classification: Uncertain significance. Last evaluated: 2025-08-24. Review status: criteria provided, single submitter. Criteria: ACMG Guidelines, 2015. Collection method: clinical testing. Allele origin: germline. Observed: 2 variant alleles.
Comment: PM2_moderate

Ambry Genetics
Classification: Uncertain significance. Last evaluated: 2025-05-14. Review status: criteria provided, single submitter. Criteria: Ambry Variant Classification Scheme 2023. Collection method: clinical testing. Allele origin: germline.

NM_001001331.4(ATP2B2):c.1937G>A (p.Arg646His)

Gene: ATP2B2 (ATPase plasma membrane Ca2+ transporting 2; minus strand). Cytogenetic location: 3p25.3.
Variant type: single nucleotide variant.
Coding change: c.1937G>A on transcript NM_001001331.4 (MANE Select); coding-DNA position 1937, G replaced by A.
Protein change: p.Arg646His; replaces arginine 646 with histidine.
Molecular consequence: missense variant.
Genome position (GRCh38, 1-based): chr3:10,358,890, C>T on the plus strand (G>A on the coding strand, the complement: ATP2B2 is on the minus strand). VCF-style: chr3-10358890-C-T. GRCh37 (hg19) VCF-style: chr3-10400574-C-T.
Other names: p.Arg646His; c.1802G>A, p.Arg601His (NM_001330611.3, NM_001353564.1, NM_001363862.1 and 1 more transcripts); short protein forms R601H, R646H.
Identifiers: ClinVar variation 3971616 (VCV003971616.2).